The following is an entry in ClinVar:

NM_001370.2(DNAH6):c.10621C>T (p.Pro3541Ser)

Gene: DNAH6 (dynein axonemal heavy chain 6; plus strand). Cytogenetic location: 2p11.2.
Variant type: single nucleotide variant.
Coding change: c.10621C>T on transcript NM_001370.2 (MANE Select); coding-DNA position 10621, C replaced by T.
Protein change: p.Pro3541Ser; replaces proline 3541 with serine.
Molecular consequence: missense variant.
Genome position (GRCh38, 1-based): chr2:84,762,863, C>T. VCF-style: chr2-84762863-C-T. GRCh37 (hg19) VCF-style: chr2-84989987-C-T.
Other names: short protein forms P3541S.
Identifiers: ClinVar variation 2634833 (VCV002634833.1), dbSNP rs1323843098, ClinGen allele CA347519993.

ClinVar aggregate classification (germline): Uncertain significance (1 of 4 stars; one submission).

Conditions:
DNAH6-related disorder. Also called: DNAH6-related condition.

gnomAD v4.1: 2 of 1,551,390 alleles (0.00013%); highest among the groups gnomAD compares: Admixed American, 0.0039%; no homozygotes.

Submission:

PreventionGenetics, part of Exact Sciences
Classification: Uncertain significance for DNAH6-related condition. Last evaluated: 2023-09-18. Review status: criteria provided, single submitter. Criteria: ACMG Guidelines, 2015. Collection method: clinical testing. Allele origin: germline.
Comment: The DNAH6 c.10621C>T variant is predicted to result in the amino acid substitution p.Pro3541Ser. To our knowledge, this variant has not been reported in the literature. This variant is reported in 0.0081% of alleles in individuals of Latino descent in gnomAD. At this time, the clinical significance of this variant is uncertain due to the absence of conclusive functional and genetic evidence.